The following is an entry in ClinVar:

ClinVar aggregate classification (germline): Uncertain significance (1 of 4 stars; one submission).

Conditions:
Disseminated atypical mycobacterial infection. Identifiers: MedGen C0694566.

gnomAD v4.1: 2 of 1,613,684 alleles (0.00012%); highest among the groups gnomAD compares: Non-Finnish European, 0.00017%; no homozygotes.

Submission:

Labcorp Genetics (formerly Invitae), Labcorp
Classification: Uncertain significance for Disseminated atypical mycobacterial infection. Last evaluated: 2025-04-26. Review status: criteria provided, single submitter. Criteria: Invitae Variant Classification Sherloc (09022015). Collection method: clinical testing. Allele origin: germline.
Comment: This sequence change replaces proline, which is neutral and non-polar, with arginine, which is basic and polar, at codon 313 of the IFNGR1 protein (p.Pro313Arg). This variant is present in population databases (rs781763552, gnomAD 0.0009%). This variant has not been reported in the literature in individuals affected with IFNGR1-related conditions. Invitae Evidence Modeling of protein sequence and biophysical properties (such as structural, functional, and spatial information, amino acid conservation, physicochemical variation, residue mobility, and thermodynamic stability) has been performed for this missense variant. However, the output from this modeling did not meet the statistical confidence thresholds required to predict the impact of this variant on IFNGR1 protein function. In summary, the available evidence is currently insufficient to determine the role of this variant in disease. Therefore, it has been classified as a Variant of Uncertain Significance.

NM_000416.3(IFNGR1):c.938C>G (p.Pro313Arg)

Gene: IFNGR1 (interferon gamma receptor 1; minus strand). Cytogenetic location: 6q23.3.
Variant type: single nucleotide variant.
Coding change: c.938C>G on transcript NM_000416.3 (MANE Select); coding-DNA position 938, C replaced by G.
Protein change: p.Pro313Arg; replaces proline 313 with arginine.
Molecular consequence: missense variant.
Genome position (GRCh38, 1-based): chr6:137,198,563, G>C on the plus strand (C>G on the coding strand, the complement: IFNGR1 is on the minus strand). VCF-style: chr6-137198563-G-C. GRCh37 (hg19) VCF-style: chr6-137519700-G-C.
Other names: c.908C>G, p.Pro303Arg (NM_001363526.1); c.815C>G, p.Pro272Arg (NM_001363527.1); short protein forms P272R, P303R, P313R.
Identifiers: ClinVar variation 4805294 (VCV004805294.1).